The following is an entry in ClinVar:

NM_002087.4(GRN):c.53C>T (p.Thr18Met)

Gene: GRN (granulin precursor; plus strand). Cytogenetic location: 17q21.31.
Variant type: single nucleotide variant.
Coding change: c.53C>T on transcript NM_002087.4 (MANE Select); coding-DNA position 53, C replaced by T.
Protein change: p.Thr18Met; replaces threonine 18 with methionine.
Molecular consequence: missense variant.
Genome position (GRCh38, 1-based): chr17:44,349,217, C>T. VCF-style: chr17-44349217-C-T. GRCh37 (hg19) VCF-style: chr17-42426585-C-T.
Other names: short protein forms T18M.
Identifiers: ClinVar variation 451234 (VCV000451234.14), dbSNP rs199572314, ClinGen allele CA8601736.

ClinVar aggregate classification (germline): Uncertain significance. Review status: criteria provided, multiple submitters, no conflicts (2 of 4 stars). 5 submissions from 5 submitters: Uncertain significance (5). Last evaluated 2025-07-14.

Conditions:
Inborn genetic diseases. Identifiers: MedGen C0950123, MeSH D030342.
Neuronal ceroid lipofuscinosis 11. Also called: GRN-Related Neuronal Ceroid-Lipofuscinosis. Identifiers: Orphanet 314629, Orphanet 79262, MedGen C3539123, MONDO:0013866, OMIM 614706.
GRN-related frontotemporal lobar degeneration with Tdp43 inclusions (FTD2). Also called: GRN Frontotemporal Dementia; FRONTOTEMPORAL DEMENTIA WITH TDP43 INCLUSIONS, GRN-RELATED; FRONTOTEMPORAL LOBAR DEGENERATION WITH UBIQUITIN-POSITIVE INCLUSIONS; FTLD-TDP, GRN-RELATED; DEMENTIA, HEREDITARY DYSPHASIC DISINHIBITION. Identifiers: Orphanet 100070, Orphanet 282, MedGen C1843792, MONDO:0011842, OMIM 607485. Disease mechanism: loss of function.

Allele frequency attached by ClinVar (database versions not stated): ExAC 0.00003; gnomAD exomes 0.00003 and 0.00009; gnomAD 0.00009; TOPMed 0.00009; ESP Exome Variant Server 0.00015; 1000 Genomes Project 0.00020; 1000 Genomes Project 30x 0.00031.
gnomAD v4.1: 146 of 1,613,992 alleles (0.009%); highest among the groups gnomAD compares: Non-Finnish European, 0.011%; no homozygotes.

Submissions (5):

Labcorp Genetics (formerly Invitae), Labcorp
Classification: Uncertain significance for Neuronal ceroid lipofuscinosis 11; GRN-related frontotemporal lobar degeneration with Tdp43 inclusions. Last evaluated: 2025-07-14. Review status: criteria provided, single submitter. Criteria: Invitae Variant Classification Sherloc (09022015). Collection method: clinical testing. Allele origin: germline.
Comment: This sequence change replaces threonine, which is neutral and polar, with methionine, which is neutral and non-polar, at codon 18 of the GRN protein (p.Thr18Met). This variant is present in population databases (rs199572314, gnomAD 0.007%). This variant has not been reported in the literature in individuals affected with GRN-related conditions. ClinVar contains an entry for this variant (Variation ID: 451234). An algorithm developed to predict the effect of missense changes on protein structure and function (PolyPhen-2) suggests that this variant is likely to be disruptive. In summary, the available evidence is currently insufficient to determine the role of this variant in disease. Therefore, it has been classified as a Variant of Uncertain Significance.

Blueprint Genetics
Classification: Uncertain significance. Last evaluated: 2024-10-09. Review status: criteria provided, single submitter. Criteria: ACMG Guidelines, 2015. Collection method: clinical testing. Allele origin: germline.

Ambry Genetics
Classification: Uncertain significance for Inborn genetic diseases. Last evaluated: 2022-11-03. Review status: criteria provided, single submitter. Criteria: Ambry Variant Classification Scheme 2023. Collection method: clinical testing. Allele origin: germline.

Fulgent Genetics
Classification: Uncertain significance for GRN-related frontotemporal lobar degeneration with Tdp43 inclusions; Neuronal ceroid lipofuscinosis 11. Last evaluated: 2018-10-31. Review status: criteria provided, single submitter. Criteria: ACMG Guidelines, 2015. Collection method: clinical testing. Allele origin: unknown.

GeneDx
Classification: Uncertain significance. Last evaluated: 2017-08-15. Review status: criteria provided, single submitter. Criteria: GeneDx Variant Classification (06012015). Collection method: clinical testing. Allele origin: germline. Affected: yes.
Comment: The T18M variant in the GRN gene has not been reported previously as a pathogenic variant, nor as a benign variant, to our knowledge. This variant is observed in 1/16,508 (0.006%) alleles from individuals of South Asian background and in 3/66,590 (0.004%) alleles from individuals of non-Finnish European background in the ExAC dataset, with no homozygous control individuals reported (Lek et al., 2016). The T18M variant is a non-conservative amino acid substitution, which is likely to impact secondary protein structure as these residues differ in polarity, charge, size and/or other properties. In addition, this substitution occurs at a position that is conserved across mammalian species. However, in silico analysis is inconsistent in its predictions as to whether or not the variant is damaging to the protein structure/function. We interpret T18M as a variant of uncertain significance.